The following is an entry in ClinVar:

NM_006531.5(IFT88):c.937A>G (p.Ile313Val)

Gene: IFT88 (intraflagellar transport 88; plus strand). Cytogenetic location: 13q12.11.
Variant type: single nucleotide variant.
Coding change: c.937A>G on transcript NM_006531.5 (MANE Select); coding-DNA position 937, A replaced by G.
Protein change: p.Ile313Val; replaces isoleucine 313 with valine.
Molecular consequence: missense variant. On other transcripts: non-coding transcript variant (5), intron variant (7).
Genome position (GRCh38, 1-based): chr13:20,601,829, A>G. VCF-style: chr13-20601829-A-G. GRCh37 (hg19) VCF-style: chr13-21175968-A-G.
Other names: c.880A>G, p.Ile294Val (NM_001318491.2, NM_001353573.2, NM_001353575.2); c.964A>G, p.Ile322Val (NM_001318493.2, NM_001353565.2, NM_001353566.2 and 2 more transcripts); c.937A>G, p.Ile313Val (NM_001353568.2, NM_001353572.2); c.304A>G, p.Ile102Val (NM_001353579.2); c.884-22A>G (NM_001353570.2, NM_001353576.2, NM_001353577.2 and 1 more transcripts); c.857-22A>G (NM_001353571.2, NM_001353578.2); c.800-22A>G (NM_001353574.2); short protein forms I322V, I294V, I102V, I313V.
Identifiers: ClinVar variation 2071854 (VCV002071854.5), dbSNP rs148997004, ClinGen allele CA6905226.

ClinVar aggregate classification (germline): Uncertain significance. Review status: criteria provided, multiple submitters, no conflicts (2 of 4 stars). 2 submissions from 2 submitters: Uncertain significance (2). Last evaluated 2025-11-27.

Allele frequency attached by ClinVar (database versions not stated): gnomAD 0.00015; TOPMed 0.00018; ExAC 0.00023; ESP Exome Variant Server 0.00023.
gnomAD v4.1: 314 of 1,613,064 alleles (0.019%); highest among the groups gnomAD compares: Non-Finnish European, 0.021%; no homozygotes.

Submissions (2):

Labcorp Genetics (formerly Invitae), Labcorp
Classification: Uncertain significance. Last evaluated: 2025-11-27. Review status: criteria provided, single submitter. Criteria: Invitae Variant Classification Sherloc (09022015). Collection method: clinical testing. Allele origin: germline.
Comment: This sequence change replaces isoleucine, which is neutral and non-polar, with valine, which is neutral and non-polar, at codon 322 of the IFT88 protein (p.Ile322Val). This variant is present in population databases (rs148997004, gnomAD 0.1%), and has an allele count higher than expected for a pathogenic variant. This variant has not been reported in the literature in individuals affected with IFT88-related conditions. ClinVar contains an entry for this variant (Variation ID: 2071854). An algorithm developed to predict the effect of missense changes on protein structure and function outputs the following: PolyPhen-2: "Not Available". The valine amino acid residue is found in multiple mammalian species, which suggests that this missense change does not adversely affect protein function. In summary, the available evidence is currently insufficient to determine the role of this variant in disease. Therefore, it has been classified as a Variant of Uncertain Significance.

Ambry Genetics
Classification: Uncertain significance. Last evaluated: 2021-10-18. Review status: criteria provided, single submitter. Criteria: Ambry Variant Classification Scheme 2023. Collection method: clinical testing. Allele origin: germline.